The following is an entry in ClinVar:

NM_152512.4(ENTHD1):c.1104_1105del (p.Pro369fs)

Gene: ENTHD1 (ENTH domain containing 1; minus strand). Cytogenetic location: 22q13.1.
Variant type: Microsatellite.
Coding change: c.1104_1105del on transcript NM_152512.4 (MANE Select); coding-DNA positions 1104 to 1105, 2 bases deleted (TC; older notation c.1104_1105delTC).
Protein change: p.Pro369fs; shifts the reading frame from proline 369.
Molecular consequence: frameshift variant.
Genome position (GRCh38, 1-based): chr22:39,765,337-39,765,338, GA deleted on the plus strand (TC on the coding strand, the reverse complement: ENTHD1 is on the minus strand); deleting any 2 consecutive bases within chr22:39,765,337-39,765,344 gives the same sequence; the c. name uses the placement nearest the transcript's 3' end. VCF-style (leftmost placement, unchanged base first): chr22-39765336-GGA-G. GRCh37 (hg19) VCF-style: chr22-40161341-GGA-G.
Other names: short protein forms P369fs.
Identifiers: ClinVar variation 4533407 (VCV004533407.6).
Genomic context (GRCh38, chr22:39,765,336, plus strand): 5'-GGTTTCTGGTAGGCCTTGTTGATTACAATCTCCTTCACTCGGTCAAATATTTTGAATGAG[GGA>G]GAGAGACAGAGTGTTTCTACAGAGGCCTGGTTATGGAAAGTAGAATCTGACTTTGATACC-3'

ClinVar aggregate classification (germline): Likely benign (1 of 4 stars; one submission).

Submission:

CeGaT Center for Human Genetics Tuebingen
Classification: Likely benign. Last evaluated: 2025-11-01. Review status: criteria provided, single submitter. Criteria: CeGaT Center For Human Genetics Tuebingen Variant Classification Criteria Version 2. Collection method: clinical testing. Allele origin: germline. Affected: yes. Observed: 1 variant allele.
Comment: ENTHD1: BS2